The following is an entry in ClinVar:

NM_001358530.2(MOCS1):c.1133G>A (p.Arg378Gln)

Gene: MOCS1 (molybdenum cofactor synthesis 1; minus strand). Cytogenetic location: 6p21.2.
Variant type: single nucleotide variant.
Coding change: c.1133G>A on transcript NM_001358530.2 (MANE Select); coding-DNA position 1133, G replaced by A.
Protein change: p.Arg378Gln; replaces arginine 378 with glutamine.
Molecular consequence: missense variant. On other transcripts: intron variant (1).
Genome position (GRCh38, 1-based): chr6:39,909,072, C>T on the plus strand (G>A on the coding strand, the complement: MOCS1 is on the minus strand). VCF-style: chr6-39909072-C-T. GRCh37 (hg19) VCF-style: chr6-39876848-C-T.
Other names: c.1133G>A, p.Arg378Gln (NM_001075098.4, NM_005943.6); c.872G>A, p.Arg291Gln (NM_001358531.2, NM_001358533.2, NM_001358534.2); c.1102+763G>A (NM_001358529.2); c.1133G>A (NM_005943.5); short protein forms R291Q, R378Q.
Identifiers: ClinVar variation 1422299 (VCV001422299.7), dbSNP rs200653737, ClinGen allele CA3796018.

ClinVar aggregate classification (germline): Uncertain significance. Review status: criteria provided, multiple submitters, no conflicts (2 of 4 stars). 2 submissions from 2 submitters: Uncertain significance (2). Last evaluated 2025-05-27.

Conditions:
Sulfite oxidase deficiency due to molybdenum cofactor deficiency type A. Also called: Molybdenum Cofactor Deficiency A; Molybdenum cofactor deficiency, complementation group A. Identifiers: Orphanet 308386, Orphanet 833, MedGen C1854988, MONDO:0009643, OMIM 252150.

Allele frequency attached by ClinVar (database versions not stated): gnomAD 0.00002 and 0.00003; gnomAD exomes 0.00002; TOPMed 0.00003; ExAC 0.00004; ESP Exome Variant Server 0.00008; 1000 Genomes Project 0.00020; 1000 Genomes Project 30x 0.00031.
gnomAD v4.1: 24 of 1,605,170 alleles (0.0015%); highest among the groups gnomAD compares: African/African-American, 0.0083%; no homozygotes.

Submissions (2):

Labcorp Genetics (formerly Invitae), Labcorp
Classification: Uncertain significance for Sulfite oxidase deficiency due to molybdenum cofactor deficiency type A. Last evaluated: 2025-05-27. Review status: criteria provided, single submitter. Criteria: Invitae Variant Classification Sherloc (09022015). Collection method: clinical testing. Allele origin: germline.
Comment: This sequence change replaces arginine, which is basic and polar, with glutamine, which is neutral and polar, at codon 378 of the MOCS1 protein (p.Arg378Gln). This variant is present in population databases (rs200653737, gnomAD 0.01%). This variant has not been reported in the literature in individuals affected with MOCS1-related conditions. ClinVar contains an entry for this variant (Variation ID: 1422299). An algorithm developed to predict the effect of missense changes on protein structure and function (PolyPhen-2) suggests that this variant is likely to be disruptive. In summary, the available evidence is currently insufficient to determine the role of this variant in disease. Therefore, it has been classified as a Variant of Uncertain Significance.

Fulgent Genetics
Classification: Uncertain significance for Sulfite oxidase deficiency due to molybdenum cofactor deficiency type A. Last evaluated: 2024-05-21. Review status: criteria provided, single submitter. Criteria: ACMG Guidelines, 2015. Collection method: clinical testing. Allele origin: germline.